The following is an entry in ClinVar:

ClinVar aggregate classification (germline): Uncertain significance. Review status: criteria provided, multiple submitters, no conflicts (2 of 4 stars). 3 submissions from 3 submitters: Uncertain significance (3). Last evaluated 2025-06-29.

Conditions:
Familial thoracic aortic aneurysm and aortic dissection (TAAD). Also called: Thoracic aortic aneurysms and dissections. Identifiers: Orphanet 91387, MedGen C4707243, MONDO:0019625.

gnomAD v4.1: 16 of 1,614,026 alleles (0.00099%); highest among the groups gnomAD compares: African/African-American, 0.0013%; no homozygotes.

Submissions (3):

Color Diagnostics, LLC DBA Color Health
Classification: Uncertain significance for Familial thoracic aortic aneurysm and aortic dissection. Last evaluated: 2025-06-29. Review status: criteria provided, single submitter. Criteria: ACMG Guidelines, 2015. Collection method: clinical testing. Allele origin: germline.
Comment: This missense variant replaces glutamine with histidine at codon 772 of the MYH11 protein. Computational prediction is inconclusive regarding the impact of this variant on protein structure and function. To our knowledge, functional studies have not been reported for this variant. This variant has not been reported in individuals affected with MYH11-related disorders in the literature. This variant has been identified in 3/282860 chromosomes in the general population by the Genome Aggregation Database (gnomAD). The available evidence is insufficient to determine the role of this variant in disease conclusively. Therefore, this variant is classified as a Variant of Uncertain Significance.

Ambry Genetics
Classification: Uncertain significance for Familial thoracic aortic aneurysm and aortic dissection. Last evaluated: 2024-09-11. Review status: criteria provided, single submitter. Criteria: Ambry Variant Classification Scheme 2023. Collection method: clinical testing. Allele origin: germline.
Comment: The p.Q765H variant (also known as c.2295G>C), located in coding exon 18 of the MYH11 gene, results from a G to C substitution at nucleotide position 2295. The glutamine at codon 765 is replaced by histidine, an amino acid with highly similar properties. This amino acid position is conserved. In addition, the in silico prediction for this alteration is inconclusive. Based on the available evidence, the clinical significance of this variant remains unclear.

All of Us Research Program, National Institutes of Health
Classification: Uncertain significance for Familial thoracic aortic aneurysm and aortic dissection. Last evaluated: 2024-05-09. Review status: criteria provided, single submitter. Criteria: ACMG Guidelines, 2015. Collection method: clinical testing. Allele origin: germline. Inheritance: Autosomal dominant inheritance. Observed: 1 variant allele, 1 heterozygote.
Comment: This study involves interpretation of variants in research participants for the purpose of population health screening. Participant phenotype was not available at the time of variant classification. Additional details can be found in publication PMID: 35346344, PMCID: PMC8962531

NM_002474.3(MYH11):c.2295G>C (p.Gln765His)

Gene: MYH11 (myosin heavy chain 11; minus strand). Cytogenetic location: 16p13.11.
Variant type: single nucleotide variant.
Coding change: c.2295G>C on transcript NM_002474.3 (MANE Select); coding-DNA position 2295, G replaced by C.
Protein change: p.Gln765His; replaces glutamine 765 with histidine.
Molecular consequence: missense variant.
Genome position (GRCh38, 1-based): chr16:15,747,686, C>G on the plus strand (G>C on the coding strand, the complement: MYH11 is on the minus strand). VCF-style: chr16-15747686-C-G. GRCh37 (hg19) VCF-style: chr16-15841543-C-G.
Other names: c.2316G>C, p.Gln772His (NM_001040113.2, NM_001040114.2); c.2295G>C, p.Gln765His (NM_022844.3); c.2295G>C (NM_002474.2); short protein forms Q765H, Q772H.
Identifiers: ClinVar variation 3387222 (VCV003387222.3).